The following is an entry in ClinVar:

NM_001374736.1(DST):c.14035G>C (p.Ala4679Pro)

Gene: DST (dystonin; minus strand). Cytogenetic location: 6p12.1.
Variant type: single nucleotide variant.
Coding change: c.14035G>C on transcript NM_001374736.1 (MANE Select); coding-DNA position 14035, G replaced by C.
Protein change: p.Ala4679Pro; replaces alanine 4679 with proline.
Molecular consequence: missense variant.
Genome position (GRCh38, 1-based): chr6:56,562,171, C>G on the plus strand (G>C on the coding strand, the complement: DST is on the minus strand). VCF-style: chr6-56562171-C-G. GRCh37 (hg19) VCF-style: chr6-56426969-C-G.
Other names: c.7678G>C, p.Ala2560Pro (NM_001144769.5); c.7264G>C, p.Ala2422Pro (NM_001144770.2); c.14035G>C, p.Ala4679Pro (NM_001374722.1); c.13402G>C, p.Ala4468Pro (NM_001374729.1); c.7144G>C, p.Ala2382Pro (NM_001374730.1, NM_183380.4); c.14062G>C, p.Ala4688Pro (NM_001374734.1); c.6166G>C, p.Ala2056Pro (NM_015548.5); short protein forms A2056P, A2560P, A2422P, A4468P, A2382P, A4679P, A4688P.
Identifiers: ClinVar variation 971045 (VCV000971045.6), dbSNP rs775166216, ClinGen allele CA139209864.

ClinVar aggregate classification (germline): Uncertain significance (1 of 4 stars; one submission).

Conditions:
Epidermolysis bullosa simplex 3, localized or generalized intermediate, with BP230 deficiency (EBS3). Also called: Epidermolysis bullosa simplex, autosomal recessive 2; Epidermolysis bullosa simplex due to BP230 deficiency. Identifiers: Orphanet 412181, MedGen C3809470, MONDO:0014180, OMIM 615425.
Hereditary sensory and autonomic neuropathy type 6. Also called: Neuropathy, hereditary sensory and autonomic, type VI; HSAN VI. Identifiers: Orphanet 314381, MedGen C3539003, MONDO:0013839, OMIM 614653.

Allele frequency attached by ClinVar (database versions not stated): gnomAD 0.00001; gnomAD exomes 0.00001; TOPMed 0.00001.
gnomAD v4.1: 14 of 1,556,530 alleles (0.0009%); highest among the groups gnomAD compares: Non-Finnish European, 0.0011%; no homozygotes.

Submission:

Labcorp Genetics (formerly Invitae), Labcorp
Classification: Uncertain significance for Epidermolysis bullosa simplex 3, localized or generalized intermediate, with BP230 deficiency; Hereditary sensory and autonomic neuropathy type 6. Last evaluated: 2019-07-22. Review status: criteria provided, single submitter. Criteria: Invitae Variant Classification Sherloc (09022015). Collection method: clinical testing. Allele origin: germline.
Comment: In summary, the available evidence is currently insufficient to determine the role of this variant in disease. Therefore, it has been classified as a Variant of Uncertain Significance. Algorithms developed to predict the effect of missense changes on protein structure and function are either unavailable or do not agree on the potential impact of this missense change (SIFT: "Tolerated"; PolyPhen-2: "Not Available"; Align-GVGD: "Class C0"). This variant has not been reported in the literature in individuals with DST-related conditions. This variant is not present in population databases (ExAC no frequency). This sequence change replaces alanine with proline at codon 2056 of the DST protein (p.Ala2056Pro). The alanine residue is weakly conserved and there is a small physicochemical difference between alanine and proline. The DST gene has multiple clinically relevant transcripts. The p.Ala2056Pro variant occurs in alternate transcript NM_015548.4, which corresponds to c.*53346G>C in NM_001723.5, the primary transcript listed in the Methods.